The following is an entry in ClinVar:

ClinVar aggregate classification (germline): Uncertain significance. Review status: criteria provided, multiple submitters, no conflicts (2 of 4 stars). 2 submissions from 2 submitters: Uncertain significance (2). Last evaluated 2023-12-15.

Conditions:
Inborn genetic diseases. Identifiers: MedGen C0950123, MeSH D030342.

Allele frequency attached by ClinVar (database versions not stated): TOPMed below 0.00001; gnomAD exomes 0.00001.
gnomAD v4.1: 10 of 1,614,180 alleles (0.00062%); highest among the groups gnomAD compares: Non-Finnish European, 0.00085%; no homozygotes.

Submissions (2):

Ambry Genetics
Classification: Uncertain significance for Inborn genetic diseases. Last evaluated: 2023-12-15. Review status: criteria provided, single submitter. Criteria: Ambry Variant Classification Scheme 2023. Collection method: clinical testing. Allele origin: germline.

Labcorp Genetics (formerly Invitae), Labcorp
Classification: Uncertain significance. Last evaluated: 2023-09-27. Review status: criteria provided, single submitter. Criteria: Invitae Variant Classification Sherloc (09022015). Collection method: clinical testing. Allele origin: germline.
Comment: In summary, the available evidence is currently insufficient to determine the role of this variant in disease. Therefore, it has been classified as a Variant of Uncertain Significance. An algorithm developed to predict the effect of missense changes on protein structure and function (PolyPhen-2) suggests that this variant is likely to be tolerated. This variant has not been reported in the literature in individuals affected with TNFAIP3-related conditions. This variant is not present in population databases (gnomAD no frequency). This sequence change replaces lysine, which is basic and polar, with glutamic acid, which is acidic and polar, at codon 690 of the TNFAIP3 protein (p.Lys690Glu).

NM_001270508.2(TNFAIP3):c.2068A>G (p.Lys690Glu)

Gene: TNFAIP3 (TNF alpha induced protein 3; plus strand). Cytogenetic location: 6q23.3.
Variant type: single nucleotide variant.
Coding change: c.2068A>G on transcript NM_001270508.2 (MANE Select); coding-DNA position 2068, A replaced by G.
Protein change: p.Lys690Glu; replaces lysine 690 with glutamic acid.
Molecular consequence: missense variant.
Genome position (GRCh38, 1-based): chr6:137,880,232, A>G. VCF-style: chr6-137880232-A-G. GRCh37 (hg19) VCF-style: chr6-138201369-A-G.
Other names: c.2068A>G (NM_006290.2); c.2068A>G, p.Lys690Glu (NM_001270507.2, NM_006290.4); short protein forms K690E.
Identifiers: ClinVar variation 3021308 (VCV003021308.4), dbSNP rs1776402839, ClinGen allele CA365796002.